The following is an entry in ClinVar:

ClinVar aggregate classification (germline): Uncertain significance (1 of 4 stars; one submission).

Allele frequency attached by ClinVar (database versions not stated): gnomAD exomes below 0.00001 and 0.00001; ExAC 0.00001; gnomAD 0.00001; TOPMed 0.00001.
gnomAD v4.1: 6 of 1,614,010 alleles (0.00037%); highest among the groups gnomAD compares: Non-Finnish European, 0.00042%; no homozygotes.

Submission:

Labcorp Genetics (formerly Invitae), Labcorp
Classification: Uncertain significance. Last evaluated: 2025-04-09. Review status: criteria provided, single submitter. Criteria: Invitae Variant Classification Sherloc (09022015). Collection method: clinical testing. Allele origin: germline.
Comment: This sequence change replaces histidine, which is basic and polar, with leucine, which is neutral and non-polar, at codon 842 of the LAMC3 protein (p.His842Leu). This variant is present in population databases (rs756374476, gnomAD 0.002%). This variant has not been reported in the literature in individuals affected with LAMC3-related conditions. ClinVar contains an entry for this variant (Variation ID: 1351986). An algorithm developed to predict the effect of missense changes on protein structure and function outputs the following: PolyPhen-2: "Possibly Damaging". The leucine amino acid residue is found in multiple mammalian species, which suggests that this missense change does not adversely affect protein function. In summary, the available evidence is currently insufficient to determine the role of this variant in disease. Therefore, it has been classified as a Variant of Uncertain Significance.

NM_006059.4(LAMC3):c.2525A>T (p.His842Leu)

Gene: LAMC3 (laminin subunit gamma 3; plus strand). Cytogenetic location: 9q34.12.
Variant type: single nucleotide variant.
Coding change: c.2525A>T on transcript NM_006059.4 (MANE Select); coding-DNA position 2525, A replaced by T.
Protein change: p.His842Leu; replaces histidine 842 with leucine.
Molecular consequence: missense variant.
Genome position (GRCh38, 1-based): chr9:131,067,137, A>T. VCF-style: chr9-131067137-A-T. GRCh37 (hg19) VCF-style: chr9-133942524-A-T.
Other names: short protein forms H842L.
Identifiers: ClinVar variation 1351986 (VCV001351986.8), dbSNP rs756374476, ClinGen allele CA5287464.
Genomic context (GRCh38, chr9:131,067,137, plus strand): 5'-GCAACTGTGACCCCCTGTCTGGCCACTGCCTGCGCTGCCTGCACAACACCACGGGTGACC[A>T]CTGTGAGCACTGTCAGGAAGGCTTCTACGGGAGCGCCCTGGCCCCTCGACCCGCAGACAA-3'
Protein context (NP_006050.3, residues 832-852): LRCLHNTTGD[His842Leu]CEHCQEGFYG